The following is an entry in ClinVar:

NM_003797.5(EED):c.-13G>A

Gene: EED (embryonic ectoderm development; plus strand). Cytogenetic location: 11q14.2.
Variant type: single nucleotide variant.
Coding change: c.-13G>A on transcript NM_003797.5 (MANE Select); 13 bases upstream of the start codon, G replaced by A.
Molecular consequence: 5 prime UTR variant.
Genome position (GRCh38, 1-based): chr11:86,245,217, G>A. VCF-style: chr11-86245217-G-A. GRCh37 (hg19) VCF-style: chr11-85956259-G-A.
Other names: c.-13G>A (NM_001308007.2, NM_001330334.2).
Identifiers: ClinVar variation 2642249 (VCV002642249.24), dbSNP rs760817291, ClinGen allele CA6216265.

ClinVar aggregate classification (germline): Likely benign (1 of 4 stars; one submission).

Allele frequency attached by ClinVar (database versions not stated): ExAC 0.00004.
gnomAD v4.1: 79 of 1,609,616 alleles (0.0049%); highest among the groups gnomAD compares: Middle Eastern, 0.017%; 1 homozygote.

Submission:

CeGaT Center for Human Genetics Tuebingen
Classification: Likely benign. Last evaluated: 2024-10-01. Review status: criteria provided, single submitter. Criteria: CeGaT Center For Human Genetics Tuebingen Variant Classification Criteria Version 2. Collection method: clinical testing. Allele origin: germline. Affected: yes. Observed: 4 variant alleles.
Comment: EED: BP4, BP7